The following is an entry in ClinVar:

NM_014625.4(NPHS2):c.-51G>T

Gene: NPHS2 (NPHS2 stomatin family member, podocin; minus strand). Cytogenetic location: 1q25.2.
Variant type: single nucleotide variant.
Coding change: c.-51G>T on transcript NM_014625.4 (MANE Select); 51 bases upstream of the start codon, G replaced by T.
Molecular consequence: 5 prime UTR variant.
Genome position (GRCh38, 1-based): chr1:179,575,915, C>A on the plus strand (G>T on the coding strand, the complement: NPHS2 is on the minus strand). VCF-style: chr1-179575915-C-A. GRCh37 (hg19) VCF-style: chr1-179545050-C-A.
Other names: c.-51G>T (NM_001297575.2).
Identifiers: ClinVar variation 225144 (VCV000225144.27), dbSNP rs12406197, ClinGen allele CA354148.

ClinVar aggregate classification (germline): Benign. Review status: criteria provided, multiple submitters, no conflicts (2 of 4 stars). 14 submissions from 14 submitters: Benign (9). 5 of the submissions do not count toward it. Last evaluated 2025-06-03.

Conditions:
NPHS2-related disorder. Also called: NPHS2-related condition.
Nephrotic syndrome, type 2 (NPHS2). Also called: NEPHROTIC SYNDROME, STEROID-RESISTANT, AUTOSOMAL RECESSIVE. Identifiers: Orphanet 656, MedGen C1868672, MONDO:0010974, OMIM 600995.
Focal segmental glomerulosclerosis (FSGS). Also called: Glomerulosclerosis, focal; Focal sclerosis with hyalinosis. Identifiers: MedGen C0017668, MONDO:0100313, HP:0000097. Disease mechanism: loss of function.

Allele frequency attached by ClinVar (database versions not stated): TOPMed 0.23152; gnomAD 0.23878 and 0.23699; gnomAD exomes 0.25451 and 0.26311; ExAC 0.36538; 1000 Genomes Project 0.18331; 1000 Genomes Project 30x 0.18348; ESP Exome Variant Server 0.19314.
gnomAD v4.1: 352,788 of 1,358,458 alleles (26%); highest among the groups gnomAD compares: Admixed American, 28%; 47,137 homozygotes.

Submissions (14):

Labcorp Genetics (formerly Invitae), Labcorp
Classification: Benign. Last evaluated: 2025-06-03. Review status: criteria provided, single submitter. Criteria: Invitae Variant Classification Sherloc (09022015). Collection method: clinical testing. Allele origin: germline.

Laboratory of Genetics, Children's Clinical University Hospital Latvia
Classification: Benign. Last evaluated: 2025-02-16. Review status: criteria provided, single submitter. Criteria: ACMG Guidelines, 2015. Collection method: clinical testing. Allele origin: germline. Affected: yes.

Unidad de Genómica Garrahan, Hospital de Pediatría Garrahan
Classification: Benign. Last evaluated: 2024-07-15. Review status: criteria provided, single submitter. Criteria: ACMG Guidelines, 2015. Collection method: clinical testing. Allele origin: germline. Affected: no. Observed: 38 variant alleles.
Comment: This variant is classified as Benign based on local population frequency. This variant was detected in 41% of patients studied in a panel designed for Epileptic and Developmental Encephalopathy and Progressive Myoclonus Epilepsy. Number of patients: 38. Only high quality variants are reported.

Genome Diagnostics Laboratory, The Hospital for Sick Children
Classification: Benign for Focal segmental glomerulosclerosis. Last evaluated: 2022-09-27. Review status: criteria provided, single submitter. Criteria: ACMG Guidelines, 2015. Collection method: clinical testing. Allele origin: germline.

Mendelics
Classification: Benign. Last evaluated: 2022-05-04. Review status: criteria provided, single submitter. Criteria: Mendelics Assertion Criteria 2019. Collection method: clinical testing. Allele origin: germline.

Genome-Nilou Lab
Classification: Benign for Nephrotic syndrome, type 2. Last evaluated: 2021-05-18. Review status: criteria provided, single submitter. Criteria: ACMG Guidelines, 2015. Collection method: clinical testing. Allele origin: germline. Affected: no.

GeneDx
Classification: Benign. Last evaluated: 2019-11-20. Review status: criteria provided, single submitter. Criteria: GeneDx Variant Classification Process June 2021. Collection method: clinical testing. Allele origin: germline. Affected: yes.
Comment: This variant is associated with the following publications: (PMID: 16900088, 30793612)

Illumina Laboratory Services, Illumina
Classification: Benign for Nephrotic syndrome, type 2. Last evaluated: 2018-03-06. Review status: criteria provided, single submitter. Criteria: ICSL Variant Classification Criteria 13 December 2019. Collection method: clinical testing. Allele origin: germline.
Comment: This variant was observed in the ICSL laboratory as part of a predisposition screen in an ostensibly healthy population. It had not been previously curated by ICSL or reported in the Human Gene Mutation Database (HGMD: prior to June 1st, 2018), and was therefore a candidate for classification through an automated scoring system. Utilizing variant allele frequency, disease prevalence and penetrance estimates, and inheritance mode, an automated score was calculated to assess if this variant is too frequent to cause the disease. Based on the score and internal cut-off values, a variant classified as benign is not then subjected to further curation. The score for this variant resulted in a classification of benign for this disease.

Breakthrough Genomics
Classification: Benign. Review status: criteria provided, single submitter. Criteria: ACMG Guidelines, 2015. Collection method: not provided. Allele origin: germline. Inheritance: Autosomal recessive inheritance. Affected: yes.

PreventionGenetics, part of Exact Sciences
Classification: Benign for NPHS2-related condition. Last evaluated: 2021-02-23. Review status: no assertion criteria provided. Collection method: clinical testing. Allele origin: germline. Not counted in ClinVar's aggregate classification.
Comment: This variant is classified as benign based on ACMG/AMP sequence variant interpretation guidelines (Richards et al. 2015 PMID: 25741868, with internal and published modifications).

Department of Pathology and Laboratory Medicine, Sinai Health System
Classification: Benign. Review status: no assertion criteria provided. Collection method: clinical testing. Allele origin: unknown. Affected: yes. Study: The Canadian Open Genetics Repository (COGR). Not counted in ClinVar's aggregate classification.

Genome Diagnostics Laboratory, University Medical Center Utrecht
Classification: Benign. Review status: no assertion criteria provided. Collection method: clinical testing. Allele origin: germline. Affected: yes. Study: VKGL Data-share Consensus. Not counted in ClinVar's aggregate classification.

Joint Genome Diagnostic Labs from Nijmegen and Maastricht, Radboudumc and MUMC+
Classification: Benign. Review status: no assertion criteria provided. Collection method: clinical testing. Allele origin: germline. Affected: yes. Study: VKGL Data-share Consensus. Not counted in ClinVar's aggregate classification.

Human Genetics Disease in Children – Taif University, Taif University
Classification: Likely pathogenic for Nephrotic syndrome, type 2. Last evaluated: 2016-01-01. Review status: flagged submission. Collection method: clinical testing. Allele origin: unknown. Affected: yes and no. Observed: 11 heterozygotes, 3 homozygotes. Not counted in ClinVar's aggregate classification.
ClinVar note: Reason: Outlier claim with insufficient supporting evidence